The following is an entry in ClinVar:

ClinVar aggregate classification (germline): Uncertain significance (1 of 4 stars; one submission).

Allele frequency attached by ClinVar (database versions not stated): gnomAD exomes below 0.00001; TOPMed below 0.00001.
gnomAD v4.1: 1 of 1,613,840 alleles (0.000062%); highest among the groups gnomAD compares: Non-Finnish European, 0.000085%; no homozygotes.

Submission:

Labcorp Genetics (formerly Invitae), Labcorp
Classification: Uncertain significance. Last evaluated: 2022-08-05. Review status: criteria provided, single submitter. Criteria: Invitae Variant Classification Sherloc (09022015). Collection method: clinical testing. Allele origin: germline.
Comment: This sequence change replaces arginine, which is basic and polar, with glycine, which is neutral and non-polar, at codon 101 of the PCDH15 protein (p.Arg101Gly). This variant is present in population databases (no rsID available, gnomAD 0.0009%). This variant has not been reported in the literature in individuals affected with PCDH15-related conditions. Algorithms developed to predict the effect of missense changes on protein structure and function are either unavailable or do not agree on the potential impact of this missense change (SIFT: "Tolerated"; PolyPhen-2: "Probably Damaging"; Align-GVGD: "Class C0"). In summary, the available evidence is currently insufficient to determine the role of this variant in disease. Therefore, it has been classified as a Variant of Uncertain Significance.

NM_001384140.1(PCDH15):c.301A>G (p.Arg101Gly)

Gene: PCDH15 (protocadherin related 15; minus strand). Cytogenetic location: 10q21.1.
Variant type: single nucleotide variant.
Coding change: c.301A>G on transcript NM_001384140.1 (MANE Select); coding-DNA position 301, A replaced by G.
Protein change: p.Arg101Gly; replaces arginine 101 with glycine.
Molecular consequence: missense variant.
Genome position (GRCh38, 1-based): chr10:54,378,799, T>C on the plus strand (A>G on the coding strand, the complement: PCDH15 is on the minus strand). VCF-style: chr10-54378799-T-C. GRCh37 (hg19) VCF-style: chr10-56138559-T-C.
Other names: c.316A>G, p.Arg106Gly (NM_001142763.2, NM_001142769.4, NM_001142771.2); c.301A>G, p.Arg101Gly (NM_001142764.2, NM_001142765.2, NM_001142766.2 and 8 more transcripts); c.235A>G, p.Arg79Gly (NM_001142768.2, NM_001142773.2, NM_001354404.2); short protein forms R101G, R106G, R79G.
Identifiers: ClinVar variation 2418699 (VCV002418699.3), dbSNP rs1202064807, ClinGen allele CA376540436.